The following is an entry in ClinVar:

ClinVar aggregate classification (germline): Likely benign (1 of 4 stars; one submission).

gnomAD v4.1: 1,256 of 1,612,672 alleles (0.078%); highest among the groups gnomAD compares: Non-Finnish European, 0.094%; no homozygotes.

Submission:

CeGaT Center for Human Genetics Tuebingen
Classification: Likely benign. Last evaluated: 2026-04-01. Review status: criteria provided, single submitter. Criteria: CeGaT Center For Human Genetics Tuebingen Variant Classification Criteria Version 2. Collection method: clinical testing. Allele origin: germline. Affected: yes. Observed: 3 variant alleles.
Comment: PLCD4: BP4, BP7

NM_032726.4(PLCD4):c.1659C>T (p.Ser553=)

Genes: PLCD4 (phospholipase C delta 4; plus strand), ZNF142 (zinc finger protein 142; minus strand). Cytogenetic location: 2q35.
Variant type: single nucleotide variant.
Coding change: c.1659C>T on transcript NM_032726.4 (MANE Select); coding-DNA position 1659, C replaced by T.
Protein change: p.Ser553=; no amino-acid change (serine 553 retained).
Molecular consequence: synonymous variant. On other transcripts: 3 prime UTR variant (5).
Genome position (GRCh38, 1-based): chr2:218,634,157, C>T. VCF-style: chr2-218634157-C-T. GRCh37 (hg19) VCF-style: chr2-219498880-C-T.
Other names: c.*4182G>A (NM_001366290.3, NM_001379659.1, NM_001379660.1 and 2 more transcripts).
Identifiers: ClinVar variation 3388287 (VCV003388287.14).